The following is an entry in ClinVar:

ClinVar aggregate classification (germline): Uncertain significance (1 of 4 stars; one submission).

Conditions:
Diamond-Blackfan anemia 5 (DBA5). Also called: RPL35A-Related Diamond-Blackfan Anemia. Identifiers: Orphanet 124, MedGen C2675859, MONDO:0012925, OMIM 612528.

Allele frequency attached by ClinVar (database versions not stated): gnomAD exomes below 0.00001.
gnomAD v4.1: 1 of 1,605,834 alleles (0.000062%); highest among the groups gnomAD compares: Non-Finnish European, 0.000085%; no homozygotes.

Submission:

Labcorp Genetics (formerly Invitae), Labcorp
Classification: Uncertain significance for Diamond-Blackfan anemia 5. Last evaluated: 2021-05-19. Review status: criteria provided, single submitter. Criteria: Invitae Variant Classification Sherloc (09022015). Collection method: clinical testing. Allele origin: germline.
Comment: In summary, the available evidence is currently insufficient to determine the role of this variant in disease. Therefore, it has been classified as a Variant of Uncertain Significance. Algorithms developed to predict the effect of missense changes on protein structure and function are either unavailable or do not agree on the potential impact of this missense change (SIFT: "Deleterious"; PolyPhen-2: "Benign"; Align-GVGD: "Class C65"). This variant has not been reported in the literature in individuals with RPL35A-related conditions. This variant is not present in population databases (ExAC no frequency). This sequence change replaces proline with leucine at codon 107 of the RPL35A protein (p.Pro107Leu). The proline residue is highly conserved and there is a moderate physicochemical difference between proline and leucine.

NM_000996.4(RPL35A):c.320C>T (p.Pro107Leu)

Genes: DRC9 (dynein regulatory complex subunit 9; minus strand), RPL35A (ribosomal protein L35a; plus strand). Cytogenetic location: 3q29.
Variant type: single nucleotide variant.
Coding change: c.320C>T on transcript NM_000996.4 (MANE Select); coding-DNA position 320, C replaced by T.
Protein change: p.Pro107Leu; replaces proline 107 with leucine.
Molecular consequence: missense variant. On other transcripts: intron variant (3).
Genome position (GRCh38, 1-based): chr3:197,955,760, C>T. VCF-style: chr3-197955760-C-T. GRCh37 (hg19) VCF-style: chr3-197682631-C-T.
Other names: c.320C>T, p.Pro107Leu (NM_001316311.2); c.-50+3769G>A (NM_001323028.2); c.-60+3769G>A (NM_032263.5); c.-375+3769G>A (NM_001323029.2); short protein forms P107L.
Identifiers: ClinVar variation 1463153 (VCV001463153.8), dbSNP rs2109818973, ClinGen allele CA355885259.